The following is an entry in ClinVar:

ClinVar aggregate classification (germline): Uncertain significance. Review status: criteria provided, multiple submitters, no conflicts (2 of 4 stars). 3 submissions from 3 submitters: Uncertain significance (3). Last evaluated 2023-04-22.

Conditions:
Primary dilated cardiomyopathy (DCM). Also called: Dilated Cardiomyopathy. Identifiers: Orphanet 217604, MedGen C0007193, MeSH D002311, MONDO:0005021, HP:0001644. Inheritance: Various modes of inheritance.

gnomAD v4.1: 5 of 1,600,578 alleles (0.00031%); highest among the groups gnomAD compares: Non-Finnish European, 0.00043%; no homozygotes.

Submissions (3):

Labcorp Genetics (formerly Invitae), Labcorp
Classification: Uncertain significance for Primary dilated cardiomyopathy. Last evaluated: 2023-04-22. Review status: criteria provided, single submitter. Criteria: Invitae Variant Classification Sherloc (09022015). Collection method: clinical testing. Allele origin: germline.
Comment: This missense change has been observed in individual(s) with clinical features of NEBL-related conditions (PMID: 29247119). ClinVar contains an entry for this variant (Variation ID: 229039). An algorithm developed to predict the effect of missense changes on protein structure and function (PolyPhen-2) suggests that this variant is likely to be disruptive. In summary, the available evidence is currently insufficient to determine the role of this variant in disease. Therefore, it has been classified as a Variant of Uncertain Significance. This variant is not present in population databases (gnomAD no frequency). This sequence change replaces tyrosine, which is neutral and polar, with cysteine, which is neutral and slightly polar, at codon 343 of the NEBL protein (p.Tyr343Cys).

Laboratory for Molecular Medicine, Mass General Brigham Personalized Medicine
Classification: Uncertain significance. Last evaluated: 2015-11-13. Review status: criteria provided, single submitter. Criteria: LMM Criteria. Collection method: clinical testing. Allele origin: germline. Observed: 1 variant allele.
Comment: The p.Tyr343Cys variant in NEBL has not been previously reported in individuals with cardiomyopathies and was absent from large population studies. Computation al prediction tools and conservation analysis suggest that this variant may impa ct the protein, though this information is not predictive enough to determine pa thogenicity. In summary, the clinical significance of the p.Tyr343Cys variant is uncertain.

Breakthrough Genomics
Classification: Uncertain significance. Review status: criteria provided, single submitter. Criteria: ACMG Guidelines, 2015. Collection method: not provided. Allele origin: germline. Inheritance: Unknown mechanism. Affected: yes.

Literature cited by the submitters: PubMed 29247119 (cited by Labcorp Genetics (formerly Invitae), Labcorp).

NM_006393.3(NEBL):c.1028A>G (p.Tyr343Cys)

Gene: NEBL (nebulette; minus strand). Cytogenetic location: 10p12.31.
Variant type: single nucleotide variant.
Coding change: c.1028A>G on transcript NM_006393.3 (MANE Select); coding-DNA position 1028, A replaced by G.
Protein change: p.Tyr343Cys; replaces tyrosine 343 with cysteine.
Molecular consequence: missense variant. On other transcripts: intron variant (9).
Genome position (GRCh38, 1-based): chr10:20,850,483, T>C on the plus strand (A>G on the coding strand, the complement: NEBL is on the minus strand). VCF-style: chr10-20850483-T-C. GRCh37 (hg19) VCF-style: chr10-21139412-T-C.
Other names: c.250-37543A>G (NM_001377326.1, NM_001377327.1, NM_001377328.1); c.358-37543A>G (NM_213569.2, NM_001173484.2, NM_001377322.1); c.301-37543A>G (NM_001377324.1); c.292-37543A>G (NM_001377325.1); c.310-37543A>G (NM_001377323.1); short protein forms Y343C.
Identifiers: ClinVar variation 229039 (VCV000229039.11), dbSNP rs876657925, ClinGen allele CA10576783.